The following is an entry in ClinVar:

ClinVar aggregate classification (germline): Uncertain significance (1 of 4 stars; one submission).

Allele frequency attached by ClinVar (database versions not stated): TOPMed below 0.00001; gnomAD 0.00001.
gnomAD v4.1: 3 of 1,613,772 alleles (0.00019%); highest among the groups gnomAD compares: South Asian, 0.0022%; no homozygotes.

Submission:

Mayo Clinic Laboratories, Mayo Clinic
Classification: Uncertain significance. Last evaluated: 2022-07-22. Review status: criteria provided, single submitter. Criteria: ACMG Guidelines, 2015. Collection method: clinical testing. Allele origin: germline. Observed: 1 variant allele.
Comment: PM2

NM_002863.5(PYGL):c.641C>T (p.Thr214Ile)

Gene: PYGL (glycogen phosphorylase L; minus strand). Cytogenetic location: 14q22.1.
Variant type: single nucleotide variant.
Coding change: c.641C>T on transcript NM_002863.5 (MANE Select); coding-DNA position 641, C replaced by T.
Protein change: p.Thr214Ile; replaces threonine 214 with isoleucine.
Molecular consequence: missense variant.
Genome position (GRCh38, 1-based): chr14:50,923,988, G>A on the plus strand (C>T on the coding strand, the complement: PYGL is on the minus strand). VCF-style: chr14-50923988-G-A. GRCh37 (hg19) VCF-style: chr14-51390706-G-A.
Other names: p.Thr214Ile; c.539C>T, p.Thr180Ile (NM_001163940.2); short protein forms T180I, T214I.
Identifiers: ClinVar variation 2683252 (VCV002683252.1), dbSNP rs1173764009, ClinGen allele CA389692952.